The following is an entry in ClinVar:

ClinVar aggregate classification (germline): Uncertain significance. Review status: criteria provided, single submitter (1 of 4 stars). 2 submissions from 2 submitters: Uncertain significance (1). 1 of the submissions does not count toward it. Last evaluated 2025-10-23.

Conditions:
PLS1-related disorder. Also called: PLS1-related condition.
Inborn genetic diseases. Identifiers: MedGen C0950123, MeSH D030342.

gnomAD v4.1: 36 of 1,613,498 alleles (0.0022%); highest among the groups gnomAD compares: African/African-American, 0.047%; no homozygotes.

Submissions (2):

Ambry Genetics
Classification: Uncertain significance for Inborn genetic diseases. Last evaluated: 2025-10-23. Review status: criteria provided, single submitter. Criteria: Ambry Variant Classification Scheme 2023. Collection method: clinical testing. Allele origin: germline.

PreventionGenetics, part of Exact Sciences
Classification: Likely benign for PLS1-related condition. Last evaluated: 2023-08-10. Review status: no assertion criteria provided. Collection method: clinical testing. Allele origin: germline. Not counted in ClinVar's aggregate classification.
Comment: This variant is classified as likely benign based on ACMG/AMP sequence variant interpretation guidelines (Richards et al. 2015 PMID: 25741868, with internal and published modifications).

NM_001145319.2(PLS1):c.187G>A (p.Ala63Thr)

Gene: PLS1 (plastin 1; plus strand). Cytogenetic location: 3q23.
Variant type: single nucleotide variant.
Coding change: c.187G>A on transcript NM_001145319.2 (MANE Select); coding-DNA position 187, G replaced by A.
Protein change: p.Ala63Thr; replaces alanine 63 with threonine.
Molecular consequence: missense variant.
Genome position (GRCh38, 1-based): chr3:142,669,506, G>A. VCF-style: chr3-142669506-G-A. GRCh37 (hg19) VCF-style: chr3-142388348-G-A.
Other names: c.187G>A, p.Ala63Thr (NM_001172312.2, NM_002670.3); c.187G>A (NM_001172312.1); short protein forms A63T.
Identifiers: ClinVar variation 3351715 (VCV003351715.2).
Genomic context (GRCh38, chr3:142,669,506, plus strand): 5'-GCAAGCCTTCCTCTGCCTGGCTACAAGGTGCGCGAGATTGTGGAGAAAATTCTATCAGTT[G>A]CTGACAGCAACAAAGATGGCAAAATCAGTTTTGAAGAGTTTGTGTCAGTAAGTAATCTAA-3'
Protein context (NP_001138791.1, residues 53-73): REIVEKILSV[Ala63Thr]DSNKDGKISF